The following is an entry in ClinVar:

NM_015221.4(DNMBP):c.913dup (p.Val305fs)

Genes: DNMBP (dynamin binding protein; minus strand), DNMBP-AS1 (DNMBP antisense RNA 1; plus strand). Cytogenetic location: 10q24.2.
Variant type: Duplication.
Coding change: c.913dup on transcript NM_015221.4 (MANE Select); coding-DNA position 913, one base duplicated (G; older notation c.913dupG).
Protein change: p.Val305fs; shifts the reading frame from valine 305.
Molecular consequence: frameshift variant. On other transcripts: non-coding transcript variant (2).
Genome position (GRCh38, 1-based): chr10:99,956,561, C duplicated on the plus strand (G on the coding strand, the reverse complement: DNMBP is on the minus strand); the first of 3 consecutive C bases (chr10:99,956,561-99,956,563); duplicating any one gives the same sequence. VCF-style (leftmost placement, unchanged base first): chr10-99956560-A-AC. GRCh37 (hg19) VCF-style: chr10-101716317-A-AC.
Other names: c.913dup, p.Val305fs (NM_001441287.1, NM_001441288.1); short protein forms V305fs.
Identifiers: ClinVar variation 5007759 (VCV005007759.2).
Genomic context (GRCh38, chr10:99,956,560, plus strand): 5'-AAAGAAGTTTCCGGGATCCTGGCAAGGCTGCCTTCCTGGGGCAGAGCCATGGTTTCCTCC[A>AC]CCCGTGTGTCAGGACATAATTTCACAAACCGGTAAGGAAAGATGCCTGTCCTGCCCTTCA-3'

ClinVar aggregate classification (germline): Uncertain significance (1 of 4 stars; one submission).

Conditions:
Cataract 48. Identifiers: MedGen C5193082, MONDO:0032735, OMIM 618415.

Submission:

Juno Genomics, Hangzhou Juno Genomics, Inc
Classification: Uncertain significance for Cataract 48. Review status: criteria provided, single submitter. Criteria: ACMG Guidelines, 2015. Collection method: clinical testing. Allele origin: germline.
Comment: Null variant in a gene where loss of function (LOF) is a known mechanism of disease.;Absent from controls (or at extremely low frequency if recessive) in Genome Aggregation Database.